The following is an entry in ClinVar:

NM_138477.4(CDAN1):c.773+14G>A

Gene: CDAN1 (codanin 1; minus strand). Cytogenetic location: 15q15.2.
Variant type: single nucleotide variant.
Coding change: c.773+14G>A on transcript NM_138477.4 (MANE Select); 14 bases into the intron after coding-DNA position 773, G replaced by A.
Molecular consequence: intron variant.
Genome position (GRCh38, 1-based): chr15:42,735,861, C>T on the plus strand (G>A on the coding strand, the complement: CDAN1 is on the minus strand). VCF-style: chr15-42735861-C-T. GRCh37 (hg19) VCF-style: chr15-43028059-C-T.
Other names: c.773+14G>A (LRG_1164t1).
Identifiers: ClinVar variation 315952 (VCV000315952.11), dbSNP rs543228844, ClinGen allele CA7516303.

ClinVar aggregate classification (germline): Benign/Likely benign. Review status: criteria provided, multiple submitters, no conflicts (2 of 4 stars). 4 submissions from 4 submitters: Benign (1); Likely benign (3). Last evaluated 2025-12-06.

Conditions:
Congenital dyserythropoietic anemia, type I. Also called: Dyserythropoietic anemia, congenital type 1. Identifiers: Orphanet 98869, MedGen C0271933, MONDO:0020337. Disease mechanism: loss of function.
Anemia, congenital dyserythropoietic, type 1a (CDAN1A). Also called: CDAN1-Related Congenital Dyserythropoietic Anemia; DYSERYTHROPOIETIC ANEMIA, CONGENITAL, TYPE Ia. Identifiers: MedGen C5574667, MONDO:0009135, OMIM 224120.

Allele frequency attached by ClinVar (database versions not stated): TOPMed 0.00003; gnomAD 0.00016 and below 0.00001; gnomAD exomes 0.00080; ExAC 0.00088; 1000 Genomes Project 30x 0.00125; 1000 Genomes Project 0.00140.
gnomAD v4.1: 580 of 1,613,766 alleles (0.036%); highest among the groups gnomAD compares: South Asian, 0.61%; 10 homozygotes.

Submissions (4):

Labcorp Genetics (formerly Invitae), Labcorp
Classification: Benign. Last evaluated: 2025-12-06. Review status: criteria provided, single submitter. Criteria: Invitae Variant Classification Sherloc (09022015). Collection method: clinical testing. Allele origin: germline.

ARUP Laboratories, Molecular Genetics and Genomics, ARUP Laboratories
Classification: Likely benign for Anemia, congenital dyserythropoietic, type 1a. Last evaluated: 2025-06-30. Review status: criteria provided, single submitter. Criteria: ARUP Molecular Germline Variant Investigation Process 2024. Collection method: clinical testing. Allele origin: germline.

Blueprint Genetics
Classification: Likely benign. Last evaluated: 2024-10-21. Review status: criteria provided, single submitter. Criteria: ACMG Guidelines, 2015. Collection method: clinical testing. Allele origin: germline.

Illumina Laboratory Services, Illumina
Classification: Likely benign for Anemia, congenital dyserythropoietic, type 1a. Last evaluated: 2018-01-12. Review status: criteria provided, single submitter. Criteria: ICSL Variant Classification Criteria 13 December 2019. Collection method: clinical testing. Allele origin: germline.
Comment: This variant was observed in the ICSL laboratory as part of a predisposition screen in an ostensibly healthy population. It had not been previously curated by ICSL or reported in the Human Gene Mutation Database (HGMD: prior to June 1st, 2018), and was therefore a candidate for classification through an automated scoring system. Utilizing variant allele frequency, disease prevalence and penetrance estimates, and inheritance mode, an automated score was calculated to assess if this variant is too frequent to cause the disease. Based on the score and internal cut-off values, a variant classified as likely benign is not then subjected to further curation. The score for this variant resulted in a classification of likely benign for this disease.